The following is an entry in ClinVar:

ClinVar aggregate classification (germline): Uncertain significance (1 of 4 stars; one submission).

Allele frequency attached by ClinVar (database versions not stated): ExAC 0.00001; gnomAD exomes 0.00001 and 0.00002; TOPMed 0.00003; gnomAD 0.00004 and 0.00005.
gnomAD v4.1: 24 of 1,610,108 alleles (0.0015%); highest among the groups gnomAD compares: African/African-American, 0.0067%; no homozygotes.

Submission:

Labcorp Genetics (formerly Invitae), Labcorp
Classification: Uncertain significance. Last evaluated: 2021-02-11. Review status: criteria provided, single submitter. Criteria: Invitae Variant Classification Sherloc (09022015). Collection method: clinical testing. Allele origin: germline.
Comment: This sequence change falls in intron 6 of the DGAT1 gene. It does not directly change the encoded amino acid sequence of the DGAT1 protein. It affects a nucleotide within the consensus splice site of the intron. This variant is present in population databases (rs782149559, ExAC 0.01%). This variant has not been reported in the literature in individuals with DGAT1-related conditions. Nucleotide substitutions within the consensus splice site are a relatively common cause of aberrant splicing (PMID: 17576681, 9536098). Algorithms developed to predict the effect of sequence changes on RNA splicing suggest that this variant may disrupt the consensus splice site, but this prediction has not been confirmed by published transcriptional studies. In summary, the available evidence is currently insufficient to determine the role of this variant in disease. Therefore, it has been classified as a Variant of Uncertain Significance.

Literature cited by the submitters: PubMed 17576681; PubMed 9536098.

NM_012079.6(DGAT1):c.574+5G>A

Gene: DGAT1 (diacylglycerol O-acyltransferase 1; minus strand). Cytogenetic location: 8q24.3.
Variant type: single nucleotide variant.
Coding change: c.574+5G>A on transcript NM_012079.6 (MANE Select); 5 bases into the intron after coding-DNA position 574, G replaced by A.
Molecular consequence: intron variant.
Genome position (GRCh38, 1-based): chr8:144,318,456, C>T on the plus strand (G>A on the coding strand, the complement: DGAT1 is on the minus strand). VCF-style: chr8-144318456-C-T. GRCh37 (hg19) VCF-style: chr8-145542119-C-T.
Identifiers: ClinVar variation 1401212 (VCV001401212.3), dbSNP rs782149559, ClinGen allele CA4936988.